The following is an entry in ClinVar:

ClinVar aggregate classification (germline): Uncertain significance (1 of 4 stars; one submission).

Conditions:
Brody myopathy. Also called: BRODY DISEASE. Identifiers: Orphanet 53347, MedGen C1832918, MONDO:0010977, OMIM 601003.

Allele frequency attached by ClinVar (database versions not stated): gnomAD below 0.00001 and 0.00001; ExAC 0.00001; gnomAD exomes 0.00001.
gnomAD v4.1: 13 of 1,614,130 alleles (0.00081%); highest among the groups gnomAD compares: South Asian, 0.014%; no homozygotes.

Submission:

Labcorp Genetics (formerly Invitae), Labcorp
Classification: Uncertain significance for Brody myopathy. Last evaluated: 2022-07-19. Review status: criteria provided, single submitter. Criteria: Invitae Variant Classification Sherloc (09022015). Collection method: clinical testing. Allele origin: germline.
Comment: In summary, the available evidence is currently insufficient to determine the role of this variant in disease. Therefore, it has been classified as a Variant of Uncertain Significance. Algorithms developed to predict the effect of sequence changes on RNA splicing suggest that this variant may create or strengthen a splice site. Algorithms developed to predict the effect of missense changes on protein structure and function are either unavailable or do not agree on the potential impact of this missense change (SIFT: "Deleterious"; PolyPhen-2: "Benign"; Align-GVGD: "Class C0"). ClinVar contains an entry for this variant (Variation ID: 843711). This variant has not been reported in the literature in individuals affected with ATP2A1-related conditions. This variant is present in population databases (rs747116287, gnomAD 0.006%). This sequence change replaces lysine, which is basic and polar, with arginine, which is basic and polar, at codon 728 of the ATP2A1 protein (p.Lys728Arg).

NM_004320.6(ATP2A1):c.2183A>G (p.Lys728Arg)

Gene: ATP2A1 (ATPase sarcoplasmic/endoplasmic reticulum Ca2+ transporting 1; plus strand). Cytogenetic location: 16p11.2.
Variant type: single nucleotide variant.
Coding change: c.2183A>G on transcript NM_004320.6 (MANE Select); coding-DNA position 2183, A replaced by G.
Protein change: p.Lys728Arg; replaces lysine 728 with arginine.
Molecular consequence: missense variant.
Genome position (GRCh38, 1-based): chr16:28,901,945, A>G. VCF-style: chr16-28901945-A-G. GRCh37 (hg19) VCF-style: chr16-28913266-A-G.
Other names: c.1808A>G, p.Lys603Arg (NM_001286075.2); c.2183A>G, p.Lys728Arg (NM_173201.5); short protein forms K603R, K728R.
Identifiers: ClinVar variation 843711 (VCV000843711.10), dbSNP rs747116287, ClinGen allele CA7987195.
Genomic context (GRCh38, chr16:28,901,945, plus strand): 5'-CCCCTGCCCTGAAGAAGGCTGAGATTGGCATTGCCATGGGATCTGGCACTGCCGTGGCCA[A>G]GACTGCCTCTGAGATGGTGCTGGCTGACGACAACTTCTCCACCATCGTAGCTGCTGTGGA-3'
Protein context (NP_004311.1, residues 718-738): IAMGSGTAVA[Lys728Arg]TASEMVLADD